The following is an entry in ClinVar:

NM_000352.6(ABCC8):c.2914G>T (p.Glu972Ter)

Gene: ABCC8 (ATP binding cassette subfamily C member 8; minus strand). Cytogenetic location: 11p15.1.
Variant type: single nucleotide variant.
Coding change: c.2914G>T on transcript NM_000352.6 (MANE Select); coding-DNA position 2914, G replaced by T.
Protein change: p.Glu972Ter; replaces glutamic acid 972 with a stop codon.
Molecular consequence: nonsense. On other transcripts: non-coding transcript variant (1).
Genome position (GRCh38, 1-based): chr11:17,407,360, C>A on the plus strand (G>T on the coding strand, the complement: ABCC8 is on the minus strand). VCF-style: chr11-17407360-C-A. GRCh37 (hg19) VCF-style: chr11-17428907-C-A.
Other names: c.2917G>T, p.Glu973Ter (NM_001287174.3); c.2980G>T, p.Glu994Ter (NM_001351295.2); c.2914G>T, p.Glu972Ter (NM_001351296.2); c.2911G>T, p.Glu971Ter (NM_001351297.2); short protein forms E971*, E972*, E973*, E994*.
Identifiers: ClinVar variation 4818246 (VCV004818246.1).
Genomic context (GRCh38, chr11:17,407,360, plus strand): 5'-TGTGGCTGATCAGACCTCAGGCCATAATTTCACTCCCAGTCCCATTGCCTGTACCTTCCT[C>A]CTCTTCCTCATCCTGCAGAAGGCCATCCCTCGAGGACATGGCACGAGATAGGCCCTGGGG-3'

ClinVar aggregate classification (germline): Likely pathogenic (1 of 4 stars; one submission).

Conditions:
Hereditary hyperinsulinism.

Submission:

Natera, Inc.
Classification: Likely pathogenic for Hereditary hyperinsulinism. Last evaluated: 2024-05-21. Review status: criteria provided, single submitter. Criteria: Natera Variant Classification Schema (03/2026). Collection method: clinical testing. Allele origin: germline.
Comment: The c.2914G>T variant in ABCC8 is a nonsense variant predicted to introduce a stop codon at amino acid 972. This variant is expected to result in nonsense mediated decay, truncation, or a dysfunctional protein product. This variant is rare in the general population with a frequency below the threshold expected for the associated phenotype(s). Given the available evidence, this variant is classified as Likely Pathogenic.